The following is an entry in ClinVar:

NM_000089.4(COL1A2):c.505G>A (p.Gly169Arg)

Gene: COL1A2 (collagen type I alpha 2 chain; plus strand). Cytogenetic location: 7q21.3.
Variant type: single nucleotide variant.
Coding change: c.505G>A on transcript NM_000089.4 (MANE Select); coding-DNA position 505, G replaced by A.
Protein change: p.Gly169Arg; replaces glycine 169 with arginine.
Molecular consequence: missense variant.
Genome position (GRCh38, 1-based): chr7:94,405,691, G>A. VCF-style: chr7-94405691-G-A. GRCh37 (hg19) VCF-style: chr7-94035003-G-A.
Other names: short protein forms G169R.
Identifiers: ClinVar variation 1498266 (VCV001498266.6), dbSNP rs2115879081, ClinGen allele CA368219916.

ClinVar aggregate classification (germline): Likely pathogenic (1 of 4 stars; one submission).

Conditions:
Ehlers-Danlos syndrome, classic type, 1 (EDSCL1). Also called: EHLERS-DANLOS SYNDROME, GRAVIS TYPE; EHLERS-DANLOS SYNDROME, SEVERE CLASSIC TYPE; Ehlers-Danlos syndrome, type 1; Ehlers-Danlos Syndrome, Classic Type, COL5A1-Related; EDS I. Identifiers: MedGen C0268335, MONDO:0019567, OMIM 130000.
Osteogenesis imperfecta type I (OI1). Also called: OI, TYPE I; OSTEOGENESIS IMPERFECTA TARDA; OSTEOGENESIS IMPERFECTA WITH BLUE SCLERAE; Osteogenesis imperfecta type 1; Lobstein's Disease; Lobstein disease. Identifiers: Orphanet 216796, Orphanet 666, MedGen C0023931, MONDO:0008146, OMIM 166200. Disease mechanism: loss of function.

Submission:

Labcorp Genetics (formerly Invitae), Labcorp
Classification: Likely pathogenic for Osteogenesis imperfecta type I; Ehlers-Danlos syndrome, classic type, 1. Last evaluated: 2021-09-02. Review status: criteria provided, single submitter. Criteria: Invitae Variant Classification Sherloc (09022015). Collection method: clinical testing. Allele origin: germline.
Comment: Algorithms developed to predict the effect of sequence changes on RNA splicing suggest that this variant may create or strengthen a splice site. This variant disrupts the triple helix domain of COL1A2. Glycine residues within the Gly-Xaa-Yaa repeats of the triple helix domain are required for the structure and stability of fibrillar collagens (PMID: 7695699, 8218237, 19344236). In COL1A2, variants affecting these glycine residues are significantly enriched in individuals with disease (PMID: 9016532, 17078022) compared to the general population (ExAC). In summary, the currently available evidence indicates that the variant is pathogenic, but additional data are needed to prove that conclusively. Therefore, this variant has been classified as Likely Pathogenic. Advanced modeling of protein sequence and biophysical properties (such as structural, functional, and spatial information, amino acid conservation, physicochemical variation, residue mobility, and thermodynamic stability) performed at Invitae indicates that this missense variant is expected to disrupt COL1A2 protein function. This sequence change replaces glycine with arginine at codon 169 of the COL1A2 protein (p.Gly169Arg). The glycine residue is highly conserved and there is a moderate physicochemical difference between glycine and arginine. This variant is not present in population databases (ExAC no frequency). This variant has not been reported in the literature in individuals affected with COL1A2-related conditions.

Literature cited by the submitters: PubMed 7695699; PubMed 8218237; PubMed 19344236; PubMed 9016532; PubMed 17078022.